The following is an entry in ClinVar:

ClinVar aggregate classification (germline): Uncertain significance. Review status: criteria provided, multiple submitters, no conflicts (2 of 4 stars). 3 submissions from 3 submitters: Uncertain significance (3). Last evaluated 2025-06-17.

Conditions:
Inborn genetic diseases. Identifiers: MedGen C0950123, MeSH D030342.
Ataxia-pancytopenia syndrome (ATXPC). Also called: SAMD9L Ataxia-Pancytopenia Syndrome; SAMD9L-Related Syndrome. Identifiers: Orphanet 2585, MedGen C1327919, MONDO:0008038, OMIM 159550.

Submissions (3):

St. Jude Molecular Pathology, St. Jude Children's Research Hospital
Classification: Uncertain significance for Ataxia-pancytopenia syndrome. Last evaluated: 2025-06-17. Review status: criteria provided, single submitter. Criteria: St. Jude Assertion Criteria 2020. Collection method: clinical testing. Allele origin: germline.
Comment: The SAMD9L c.3608T>C p.(Val1203Ala) missense change is absent in gnomAD v2.1.1. The in silico tool REVEL predicts a benign effect on protein function, but to our knowledge this prediction has not been confirmed by functional studies. In silico predictions have not been found to correlate with syndromic risk and are not considered supporting evidence of a pathogenic or benign effect (PMID: 34621053). To our knowledge, this variant has not been reported in individuals with ataxia-pancytopenia syndrome or monosomy 7 myelodysplasia and leukemia syndrome. In summary, the evidence currently available is insufficient to determine the clinical significance of this variant. It has therefore been classified as of uncertain significance.

Ambry Genetics
Classification: Uncertain significance for Inborn genetic diseases. Last evaluated: 2024-11-23. Review status: criteria provided, single submitter. Criteria: Ambry Variant Classification Scheme 2023. Collection method: clinical testing. Allele origin: germline.
Comment: The p.V1203A variant (also known as c.3608T>C), located in coding exon 1 of the SAMD9L gene, results from a T to C substitution at nucleotide position 3608. The valine at codon 1203 is replaced by alanine, an amino acid with similar properties. This amino acid position is conserved. In addition, this alteration is predicted to be tolerated by in silico analysis. Based on the available evidence, the clinical significance of this variant remains unclear.

GeneDx
Classification: Uncertain significance. Last evaluated: 2024-02-12. Review status: criteria provided, single submitter. Criteria: GeneDx Variant Classification Process June 2021. Collection method: clinical testing. Allele origin: germline. Affected: yes.
Comment: Not observed at significant frequency in large population cohorts (gnomAD); In silico analysis supports that this missense variant has a deleterious effect on protein structure/function; Has not been previously published as pathogenic or benign to our knowledge

NM_152703.5(SAMD9L):c.3608T>C (p.Val1203Ala)

Gene: SAMD9L (sterile alpha motif domain containing 9 like; minus strand). Cytogenetic location: 7q21.2.
Variant type: single nucleotide variant.
Coding change: c.3608T>C on transcript NM_152703.5 (MANE Select); coding-DNA position 3608, T replaced by C.
Protein change: p.Val1203Ala; replaces valine 1203 with alanine.
Molecular consequence: missense variant.
Genome position (GRCh38, 1-based): chr7:93,132,364, A>G on the plus strand (T>C on the coding strand, the complement: SAMD9L is on the minus strand). VCF-style: chr7-93132364-A-G. GRCh37 (hg19) VCF-style: chr7-92761677-A-G.
Other names: c.3608T>C (NM_152703.2); c.3608T>C, p.Val1203Ala (NM_001303496.3, NM_001303497.3, NM_001303498.3 and 5 more transcripts); short protein forms V1203A.
Identifiers: ClinVar variation 3369175 (VCV003369175.4).